The following is an entry in ClinVar:

NM_001374736.1(DST):c.2848G>A (p.Asp950Asn)

Gene: DST (dystonin; minus strand). Cytogenetic location: 6p12.1.
Variant type: single nucleotide variant.
Coding change: c.2848G>A on transcript NM_001374736.1 (MANE Select); coding-DNA position 2848, G replaced by A.
Protein change: p.Asp950Asn; replaces aspartic acid 950 with asparagine.
Molecular consequence: missense variant.
Genome position (GRCh38, 1-based): chr6:56,639,461, C>T on the plus strand (G>A on the coding strand, the complement: DST is on the minus strand). VCF-style: chr6-56639461-C-T. GRCh37 (hg19) VCF-style: chr6-56504259-C-T.
Other names: c.2749G>A, p.Asp917Asn (NM_001144769.5); c.2335G>A, p.Asp779Asn (NM_001144770.2); c.2848G>A, p.Asp950Asn (NM_001374722.1); c.2215G>A, p.Asp739Asn (NM_001374729.1, NM_001374730.1, NM_001386100.1 and 1 more transcripts); c.2875G>A, p.Asp959Asn (NM_001374734.1); c.1237G>A, p.Asp413Asn (NM_001723.7, NM_015548.5); short protein forms D413N, D739N, D779N, D917N, D950N, D959N.
Identifiers: ClinVar variation 1163852 (VCV001163852.8), dbSNP rs376193903, ClinGen allele CA3871320.

ClinVar aggregate classification (germline): Uncertain significance. Review status: criteria provided, multiple submitters, no conflicts (2 of 4 stars). 2 submissions from 2 submitters: Uncertain significance (2). Last evaluated 2022-04-12.

Conditions:
Epidermolysis bullosa simplex 3, localized or generalized intermediate, with BP230 deficiency (EBS3). Also called: Epidermolysis bullosa simplex, autosomal recessive 2; Epidermolysis bullosa simplex due to BP230 deficiency. Identifiers: Orphanet 412181, MedGen C3809470, MONDO:0014180, OMIM 615425.
Hereditary sensory and autonomic neuropathy type 6. Also called: HSAN VI; Neuropathy, hereditary sensory and autonomic, type VI. Identifiers: Orphanet 314381, MedGen C3539003, MONDO:0013839, OMIM 614653.

Allele frequency attached by ClinVar (database versions not stated): ExAC 0.00002; gnomAD exomes 0.00002; TOPMed 0.00002; gnomAD 0.00003 and 0.00004; ESP Exome Variant Server 0.00008.

Submissions (2):

Labcorp Genetics (formerly Invitae), Labcorp
Classification: Uncertain significance for Epidermolysis bullosa simplex 3, localized or generalized intermediate, with BP230 deficiency; Hereditary sensory and autonomic neuropathy type 6. Last evaluated: 2022-04-12. Review status: criteria provided, single submitter. Criteria: Invitae Variant Classification Sherloc (09022015). Collection method: clinical testing. Allele origin: germline.
Comment: This sequence change replaces aspartic acid, which is acidic and polar, with asparagine, which is neutral and polar, at codon 413 of the DST protein (p.Asp413Asn). This variant is present in population databases (rs376193903, gnomAD 0.004%). This variant has not been reported in the literature in individuals affected with DST-related conditions. ClinVar contains an entry for this variant (Variation ID: 1163852). Algorithms developed to predict the effect of missense changes on protein structure and function (SIFT, PolyPhen-2, Align-GVGD) all suggest that this variant is likely to be tolerated. In summary, the available evidence is currently insufficient to determine the role of this variant in disease. Therefore, it has been classified as a Variant of Uncertain Significance.

Mayo Clinic Laboratories, Mayo Clinic
Classification: Uncertain significance. Last evaluated: 2020-11-25. Review status: criteria provided, single submitter. Criteria: ACMG Guidelines, 2015. Collection method: clinical testing. Allele origin: germline. Observed: 1 variant allele.